The following is an entry in ClinVar:

ClinVar aggregate classification (germline): Uncertain significance (1 of 4 stars; one submission).

Submission:

Dasa
Classification: Uncertain significance. Last evaluated: 2025-08-27. Review status: criteria provided, single submitter. Criteria: DASA Assertion Criteria. Collection method: clinical testing. Allele origin: germline.
Comment: NM_003597.5(KLF11):c.70A>C (p.Ile24Leu) is a missense variant that results in the substitution of isoleucine with leucine. This variant is rare in population databases. Computational prediction algorithms are consistent with a benign effect. The currently available literature and clinical evidence are not sufficient to establish a definitive association between this variant and the reported condition. Therefore, this variant is classified as a variant of uncertain significance.

NM_003597.5(KLF11):c.70A>C (p.Ile24Leu)

Gene: KLF11 (KLF transcription factor 11; plus strand). Cytogenetic location: 2p25.1.
Variant type: single nucleotide variant.
Coding change: c.70A>C on transcript NM_003597.5 (MANE Select); coding-DNA position 70, A replaced by C.
Protein change: p.Ile24Leu; replaces isoleucine 24 with leucine.
Molecular consequence: missense variant.
Genome position (GRCh38, 1-based): chr2:10,046,177, A>C. VCF-style: chr2-10046177-A-C. GRCh37 (hg19) VCF-style: chr2-10186304-A-C.
Other names: c.19A>C, p.Ile7Leu (NM_001177716.2, NM_001177718.2); short protein forms I24L, I7L.
Identifiers: ClinVar variation 5020874 (VCV005020874.1).
Genomic context (GRCh38, chr2:10,046,177, plus strand): 5'-CACTGAGAAGCCGTTGTGTTGTGTCGCCTTTAGGTTGACATCATGGACATATGTGAGTCC[A>C]TCCTGGAGAGGAAGCGGCATGACAGCGAAAGGTCTACTTGCAGCATCTTGGAGCAGACAG-3'
Protein context (NP_003588.1, residues 14-34): AVDIMDICES[Ile24Leu]LERKRHDSER